The following is an entry in ClinVar:

NM_001130009.3(GEN1):c.1879A>C (p.Asn627His)

Gene: GEN1 (GEN1 structure-specific endonuclease; plus strand). Cytogenetic location: 2p24.2.
Variant type: single nucleotide variant.
Coding change: c.1879A>C on transcript NM_001130009.3 (MANE Select); coding-DNA position 1879, A replaced by C.
Protein change: p.Asn627His; replaces asparagine 627 with histidine.
Molecular consequence: missense variant.
Genome position (GRCh38, 1-based): chr2:17,781,091, A>C. VCF-style: chr2-17781091-A-C. GRCh37 (hg19) VCF-style: chr2-17962358-A-C.
Other names: c.1879A>C, p.Asn627His (NM_182625.5); c.1879A>C (NM_001130009.1); short protein forms N627H.
Identifiers: ClinVar variation 2170110 (VCV002170110.6), dbSNP rs763057736, ClinGen allele CA1540844.

ClinVar aggregate classification (germline): Uncertain significance. Review status: criteria provided, multiple submitters, no conflicts (2 of 4 stars). 2 submissions from 2 submitters: Uncertain significance (2). Last evaluated 2025-03-19.

Allele frequency attached by ClinVar (database versions not stated): ExAC 0.00002; TOPMed 0.00002; gnomAD 0.00003; gnomAD exomes 0.00006.
gnomAD v4.1: 84 of 1,613,542 alleles (0.0052%); highest among the groups gnomAD compares: Non-Finnish European, 0.0069%; no homozygotes.

Submissions (2):

Ambry Genetics
Classification: Uncertain significance. Last evaluated: 2025-03-19. Review status: criteria provided, single submitter. Criteria: Ambry Variant Classification Scheme 2023. Collection method: clinical testing. Allele origin: germline.

Labcorp Genetics (formerly Invitae), Labcorp
Classification: Uncertain significance. Last evaluated: 2023-10-14. Review status: criteria provided, single submitter. Criteria: Invitae Variant Classification Sherloc (09022015). Collection method: clinical testing. Allele origin: germline.
Comment: This sequence change replaces asparagine, which is neutral and polar, with histidine, which is basic and polar, at codon 627 of the GEN1 protein (p.Asn627His). This variant is present in population databases (rs763057736, gnomAD 0.005%). This variant has not been reported in the literature in individuals affected with GEN1-related conditions. ClinVar contains an entry for this variant (Variation ID: 2170110). Algorithms developed to predict the effect of missense changes on protein structure and function output the following: SIFT: "Not Available"; PolyPhen-2: "Benign"; Align-GVGD: "Not Available". The histidine amino acid residue is found in multiple mammalian species, which suggests that this missense change does not adversely affect protein function. In summary, the available evidence is currently insufficient to determine the role of this variant in disease. Therefore, it has been classified as a Variant of Uncertain Significance.